The following is an entry in ClinVar:

ClinVar aggregate classification (germline): Uncertain significance (1 of 4 stars; one submission).

gnomAD v4.1: 10 of 1,614,044 alleles (0.00062%); highest among the groups gnomAD compares: South Asian, 0.0011%; no homozygotes.

Submission:

CeGaT Center for Human Genetics Tuebingen
Classification: Uncertain significance. Last evaluated: 2025-06-01. Review status: criteria provided, single submitter. Criteria: CeGaT Center For Human Genetics Tuebingen Variant Classification Criteria Version 2. Collection method: clinical testing. Allele origin: germline. Affected: yes. Observed: 1 variant allele.
Comment: SPTBN2: PM2, BP4

NM_006946.4(SPTBN2):c.3777-8C>T

Gene: SPTBN2 (spectrin beta, non-erythrocytic 2; minus strand). Cytogenetic location: 11q13.2.
Variant type: single nucleotide variant.
Coding change: c.3777-8C>T on transcript NM_006946.4 (MANE Select); 8 bases into the intron before coding-DNA position 3777, C replaced by T.
Molecular consequence: intron variant.
Genome position (GRCh38, 1-based): chr11:66,699,090, G>A on the plus strand (C>T on the coding strand, the complement: SPTBN2 is on the minus strand). VCF-style: chr11-66699090-G-A. GRCh37 (hg19) VCF-style: chr11-66466561-G-A.
Other names: c.3798-8C>T (NM_001411025.1).
Identifiers: ClinVar variation 3905430 (VCV003905430.10).